The following is an entry in ClinVar:

NM_000083.3(CLCN1):c.2680C>T (p.Arg894Ter)

Gene: CLCN1 (chloride voltage-gated channel 1; plus strand). Cytogenetic location: 7q34.
Variant type: single nucleotide variant.
Coding change: c.2680C>T on transcript NM_000083.3 (MANE Select); coding-DNA position 2680, C replaced by T.
Protein change: p.Arg894Ter; replaces arginine 894 with a stop codon.
Molecular consequence: nonsense. On other transcripts: non-coding transcript variant (1).
Genome position (GRCh38, 1-based): chr7:143,351,678, C>T. VCF-style: chr7-143351678-C-T. GRCh37 (hg19) VCF-style: chr7-143048771-C-T.
Other names: short protein forms R894*.
Identifiers: ClinVar variation 17545 (VCV000017545.130), dbSNP rs55960271, ClinGen allele CA258028.
Genomic context (GRCh38, chr7:143,351,678, plus strand): 5'-ACCAAGTCTGGGGTGCAGCTCCGCCCTCCCCTTGCCAGCTTCCGGAACACGACTTCAACT[C>T]GAAAGAGTACCGGGGCACCTCCATCTTCTGCAGAGAACTGGAACCTGCCTGAGGACAGGC-3'

ClinVar aggregate classification (germline): Pathogenic/Likely pathogenic. Review status: criteria provided, multiple submitters, no conflicts (2 of 4 stars). 49 submissions from 45 submitters: Pathogenic (39); Likely pathogenic (5). 5 of the submissions do not count toward it. Last evaluated 2026-09-01.

Conditions:
CLCN1-related disorder. Also called: CLCN1-related condition.
Skeletal muscle channelopathy.
EMG: myopathic abnormalities. Identifiers: MedGen C4021726, HP:0003458.
Myopathy. Identifiers: MedGen C0026848, MeSH D009135, MONDO:0005336, HP:0003198.
Congenital myotonia, autosomal recessive form. Also called: BECKER DISEASE; Becker Generalized Myotonia; myotonia congenita, autosomal recessive. Identifiers: Orphanet 614, MedGen C0751360, MONDO:0009715, OMIM 255700.
Myotonia levior. Identifiers: MedGen C0270959.
Congenital myotonia, autosomal dominant form (THD). Also called: THOMSEN DISEASE; Myotonia congenita autosomal dominant. Identifiers: Orphanet 614, MedGen C2936781, MONDO:0008055, OMIM 160800.
Batten-Turner congenital myopathy. Also called: Myotonia congenita; Congenital myotonia. Identifiers: Orphanet 206973, MedGen C0027127, MONDO:0100468, OMIM 255300.
Cerebral palsy. Identifiers: MedGen C0007789, MONDO:0006497, HP:0100021.
Abnormality of the musculature. Identifiers: MedGen C4021745, HP:0003011.
Tip-toe gait. Also called: Toe walking. Identifiers: MedGen C0427144, HP:0030051.

Allele frequency attached by ClinVar (database versions not stated): TOPMed 0.00107; ExAC 0.00287; 1000 Genomes Project 0.00160; 1000 Genomes Project 30x 0.00203; gnomAD 0.00561.
gnomAD v4.1: 3,648 of 1,614,164 alleles (0.23%); highest among the groups gnomAD compares: Non-Finnish European, 0.2%; 13 homozygotes.

Submissions 1 to 13 of 49:

CeGaT Center for Human Genetics Tuebingen
Classification: Pathogenic. Last evaluated: 2026-09-01. Review status: criteria provided, single submitter. Criteria: CeGaT Center For Human Genetics Tuebingen Variant Classification Criteria Version 2. Collection method: clinical testing. Allele origin: germline. Affected: yes. Observed: 40 variant alleles.
Comment: CLCN1: PP1:Strong, PS4, PVS1:Strong, PM2:Supporting

Institute of Human Genetics, University of Leipzig Medical Center
Classification: Pathogenic for Congenital myotonia, autosomal recessive form. Last evaluated: 2026-07-28. Review status: criteria provided, single submitter. Criteria: ACMG Guidelines, 2015. Collection method: clinical testing. Allele origin: unknown. Inheritance: Autosomal recessive inheritance. Affected: yes.
Comment: Criteria applied: PM3_VSTR,PVS1_MOD,PS3_MOD; Identified as compund heterozygous with NM_000083.3:c.847C>T

Greenwood Genetic Center Diagnostic Laboratories, Greenwood Genetic Center
Classification: Pathogenic for Congenital myotonia, autosomal recessive form. Last evaluated: 2026-05-24. Review status: criteria provided, single submitter. Criteria: ACMG Guidelines, 2015. Collection method: clinical testing. Allele origin: germline. Affected: yes.
Comment: PVS1_Moderate, PS3_Supporting, PM3_Very Strong

Dasa
Classification: Pathogenic. Last evaluated: 2026-04-06. Review status: criteria provided, single submitter. Criteria: DASA Assertion Criteria. Collection method: clinical testing. Allele origin: germline.
Comment: NM_000083.3(CLCN1):c.2680C>T (p.Arg894Ter) introduces a premature termination codon predicted to result in loss of normal protein function. Loss-of-function is an established mechanism of disease for this gene. This variant has been recurrently observed in individuals with related phenotype (PMID: 8845168; PMID: 27614575; PMID: 27296017). Segregation evidence has been reported in affected families. The variant is present at low frequency in population datasets. Based on the available data, this variant is classified as pathogenic.

Labcorp Genetics (formerly Invitae), Labcorp
Classification: Pathogenic for Congenital myotonia, autosomal recessive form; Congenital myotonia, autosomal dominant form. Last evaluated: 2026-01-29. Review status: criteria provided, single submitter. Criteria: Invitae Variant Classification Sherloc (09022015). Collection method: clinical testing. Allele origin: germline.
Comment: This sequence change creates a premature translational stop signal (p.Arg894*) in the CLCN1 gene. While this is not anticipated to result in nonsense mediated decay, it is expected to disrupt the last 95 amino acid(s) of the CLCN1 protein. This variant is present in population databases (rs55960271, gnomAD 1.7%), including at least one homozygous and/or hemizygous individual. This premature translational stop signal has been observed in individual(s) with autosomal recessive myotonia congenita (PMID: 7874130, 8533761, 8845168, 11840191, 15162127, 18337730, 22094069, 22197187, 24349310, 26096614, 27142102, 27296017, 27614575). In at least one individual the data is consistent with being in trans (on the opposite chromosome) from a pathogenic variant. ClinVar contains an entry for this variant (Variation ID: 17545). Algorithms developed to predict the effect of variants on gene product structure and function are not available or were not evaluated for this variant. Experimental studies have shown that this premature translational stop signal affects CLCN1 function (PMID: 8533761, 17990293). For these reasons, this variant has been classified as Pathogenic.

PreventionGenetics, part of Exact Sciences
Classification: Pathogenic for CLCN1-related condition. Last evaluated: 2026-01-29. Review status: criteria provided, single submitter. Criteria: ACMG Guidelines, 2015. Collection method: clinical testing. Allele origin: germline.
Comment: The CLCN1 c.2680C>T variant is predicted to result in premature protein termination (p.Arg894*). This variant has an allele frequency of 1.66% in the Finnish European population and has been reported in the homozygous state in 9 individuals with unknown phenotypes in gnomAD. With some exceptions, a variant like this would not normally be considered to be a primary cause of disease; however, this variant has been well-documented in patients with myotonia congenita in different populations (see for example: Suominen et al. 2008. PubMed ID: 18807109; Ivanova et al. 2013. PubMed ID: 25438602; Skalova et al. 2013. PubMed ID: 24349310). In particular, this variant has been reported to account for ~55% of affected individuals in a Northern Scandinavian cohort (Table 4, Brugnoni et al. 2013; PubMed ID: 23739125). Additionally, this variant may act as a recessive or dominant pathogenic variant, probably depending on the genetic background (Duno et al. 2004. PubMed ID: 15162127). It is noteworthy that this is located in the final CLCN1 exon and some mRNAs with this variant may escape nonsense-mediated decay. Functional studies have found that this variant may cause a dramatic reduction, but not a full loss, of chloride currents (Meyer-Kleine et al. 1995. PubMed ID: 8533761). These observations may be consistent with the somewhat high allele frequency and the complex inheritance pattern associated with this variant. It is consistently classified as likely pathogenic/pathogenic in ClinVar (ClinVar ID: 17545). This variant is interpreted as pathogenic.

Genetics Laboratory, Great Ormond Street Hospital NHS Foundation Trust, North Thames Genomic Laboratory Hub
Classification: Pathogenic for Skeletal muscle channelopathy. Last evaluated: 2026-01-09. Review status: criteria provided, single submitter. Criteria: ACGS Best Practice Guidelines for Variant Classification in Rare Disease 2024 v1.2. Collection method: clinical testing. Allele origin: germline. Affected: yes.
Comment: PVS1_moderate, PS3_strong, PP1_strong, PM3_very-strong, PP4_supporting

Revvity Omics, Revvity
Classification: Pathogenic. Last evaluated: 2025-08-07. Review status: criteria provided, single submitter. Criteria: ACMG Guidelines, 2015. Collection method: clinical testing. Allele origin: germline.

Clinical Genetics Laboratory, University Hospital Schleswig-Holstein
Classification: Pathogenic for Congenital myotonia, autosomal dominant form; Congenital myotonia, autosomal recessive form. Last evaluated: 2025-06-16. Review status: criteria provided, single submitter. Criteria: ACMG Guidelines, 2015. Collection method: clinical testing. Allele origin: germline. Affected: yes. Observed: 1 heterozygote.
Comment: ACMG criteria applied: PS4, PVS1_Moderate, PP1_Strong, PP4

First Genomix Gene Laboratory, Genetic Diagnostics Department
Classification: Pathogenic for Congenital myotonia, autosomal recessive form. Last evaluated: 2025-04-30. Review status: criteria provided, single submitter. Criteria: ACMG Guidelines, 2015. Collection method: clinical testing. Allele origin: germline. Inheritance: Autosomal recessive inheritance. Affected: no. Observed: 1 variant allele.

Variantyx, Inc.
Classification: Pathogenic for Congenital myotonia, autosomal recessive form. Last evaluated: 2025-03-19. Review status: criteria provided, single submitter. Criteria: Variantyx Assertion Criteria 2022. Collection method: clinical testing. Allele origin: germline.
Comment: This is a nonsense variant in the CLCN1 gene (OMIM: 118425). Pathogenic variants in this gene have been associated with autosomal recessive myotonia congenita. This variant introduces a premature termination codon in exon 23 out of 23. It is expected to result in loss of function, which is a known disease mechanism for CLCN1 in this disorder (PMID: 17932099, 22094069, 23739125) (PVS1). This variant has been identified in the homozygous or compound heterozygous state in at least 4 individual(s) from the published literature (PMID: 8533761, 11840191, 18337730, 8845168, 15162127, 22197187, 27614575, 26096614, 22094069) (PM3_Strong). This variant has a 0.2032% maximum allele frequency in control populations (gnomAD) (BS1). Based on the current evidence, this variant is classified as pathogenic for autosomal recessive myotonia congenita.

Laboratory of Genetics, Children's Clinical University Hospital Latvia
Classification: Likely pathogenic. Last evaluated: 2025-02-16. Review status: criteria provided, single submitter. Criteria: ACMG Guidelines, 2015. Collection method: clinical testing. Allele origin: germline. Affected: yes.

Blueprint Genetics
Classification: Pathogenic for CLCN1-related disorders. Last evaluated: 2024-11-26. Review status: criteria provided, single submitter. Criteria: ACMG Guidelines, 2015. Collection method: clinical testing. Allele origin: germline. Affected: yes. Observed: 5 variant alleles.